The following is an entry in ClinVar:

ClinVar aggregate classification (germline): Uncertain significance (1 of 4 stars; one submission).

Conditions:
Neutropenia, severe congenital, 1, autosomal dominant. Identifiers: MedGen C1859966, MONDO:0042490, OMIM 202700.
Cyclical neutropenia. Also called: Cyclic Neutropenia; Cyclic hematopoiesis. Identifiers: Orphanet 2686, MedGen C0221023, MONDO:0008090, OMIM 162800, HP:0040289. Disease mechanism: loss of function.

Allele frequency attached by ClinVar (database versions not stated): gnomAD exomes below 0.00001.
gnomAD v4.1: 1 of 1,612,894 alleles (0.000062%); highest among the groups gnomAD compares: Admixed American, 0.0017%; no homozygotes.

Submission:

Labcorp Genetics (formerly Invitae), Labcorp
Classification: Uncertain significance for Neutropenia, severe congenital, 1, autosomal dominant; Cyclical neutropenia. Last evaluated: 2020-05-26. Review status: criteria provided, single submitter. Criteria: Invitae Variant Classification Sherloc (09022015). Collection method: clinical testing. Allele origin: germline.
Comment: In summary, the available evidence is currently insufficient to determine the role of this variant in disease. Therefore, it has been classified as a Variant of Uncertain Significance. This sequence change replaces aspartic acid with histidine at codon 259 of the ELANE protein (p.Asp259His). The aspartic acid residue is weakly conserved and there is a moderate physicochemical difference between aspartic acid and histidine. This variant is not present in population databases (ExAC no frequency). This variant has been observed in individual(s) with clinical features of congenital neutropenia (Invitae). Algorithms developed to predict the effect of missense changes on protein structure and function (SIFT, PolyPhen-2, Align-GVGD) all suggest that this variant is likely to be tolerated, but these predictions have not been confirmed by published functional studies and their clinical significance is uncertain.

NM_001972.4(ELANE):c.775G>C (p.Asp259His)

Gene: ELANE (elastase, neutrophil expressed; plus strand). Cytogenetic location: 19p13.3.
Variant type: single nucleotide variant.
Coding change: c.775G>C on transcript NM_001972.4 (MANE Select); coding-DNA position 775, G replaced by C.
Protein change: p.Asp259His; replaces aspartic acid 259 with histidine.
Molecular consequence: missense variant.
Genome position (GRCh38, 1-based): chr19:856,135, G>C. VCF-style: chr19-856135-G-C. GRCh37 (hg19) VCF-style: chr19-856135-G-C.
Other names: short protein forms D259H.
Identifiers: ClinVar variation 1061023 (VCV001061023.11), dbSNP rs1408272130, ClinGen allele CA402919487.
Genomic context (GRCh38, chr19:856,135, plus strand): 5'-GTAAACTGGATCGACTCTATCATCCAACGCTCCGAGGACAACCCCTGTCCCCACCCCCGG[G>C]ACCCGGACCCGGCCAGCAGGACCCACTGAGAAGGGCTGCCCGGGTCACCTCAGCTGCCCA-3'
Protein context (NP_001963.1, residues 249-267): SEDNPCPHPR[Asp259His]PDPASRTH